The following is an entry in ClinVar:

ClinVar aggregate classification (germline): Likely pathogenic (1 of 4 stars; one submission).

Conditions:
Pontocerebellar hypoplasia, hypotonia, and respiratory insufficiency syndrome, neonatal lethal. Also called: PHRINL SYNDROME. Identifiers: Orphanet 615954, MedGen C5394137, MONDO:0032931, OMIM 618810.
Harel-Yoon syndrome (HAYOS). Also called: Optic atrophy-peripheral neuropathy-developmental delay syndrome. Identifiers: Orphanet 496790, MedGen C4310677, MONDO:0014958, OMIM 617183.

Submission:

Molecular Genetics Department, Kulakov National Medical Research Center for Obstetrics, Gynecology and Perinatology
Classification: Likely pathogenic for Harel-Yoon syndrome; Pontocerebellar hypoplasia, hypotonia, and respiratory insufficiency syndrome, neonatal lethal. Review status: criteria provided, single submitter. Criteria: ACMG Guidelines, 2015. Collection method: clinical testing. Allele origin: germline. Affected: yes. Observed: 1 variant allele.
Comment: A previously undescribed heterozygous nucleotide variant creates a frameshift p.Lys358ArgfsTer19 in the ATAD3A gene. Homozygous and compound heterozygous variants are reported in patients with pontocerebellar hypoplasia, hypotonia, and respiratory insufficiency syndrome, neonatal lethal, 618810. The variant is not present in population database (gnomAD no frequency). The variant was found in trans position with the ATAD3A variant (NM_001170535.3:c.229C>G). In summary, the currently available evidence indicates that the variant is pathogenic, but additional data are needed to prove that conclusively. Therefore, this variant has been classified as likely pathogenic.

NM_001170535.3(ATAD3A):c.1071del (p.Lys358fs)

Gene: ATAD3A (ATPase family AAA domain containing 3A; plus strand). Cytogenetic location: 1p36.33.
Variant type: Deletion.
Coding change: c.1071del on transcript NM_001170535.3 (MANE Select); coding-DNA position 1071, one base deleted (G; older notation c.1071delG).
Protein change: p.Lys358fs; shifts the reading frame from lysine 358.
Molecular consequence: frameshift variant.
Genome position (GRCh38, 1-based): chr1:1,523,946, G deleted; the last of 3 consecutive G bases (chr1:1,523,944-1,523,946); deleting any one gives the same sequence. VCF-style (leftmost placement, unchanged base first): chr1-1523943-CG-C. GRCh37 (hg19) VCF-style: chr1-1459323-CG-C.
Other names: c.834del, p.Lys279fs (NM_001170536.3); c.1215del, p.Lys406fs (NM_018188.5); short protein forms K279fs, K406fs, K358fs.
Identifiers: ClinVar variation 4294448 (VCV004294448.1).
Genomic context (GRCh38, chr1:1,523,943, plus strand): 5'-GAACACCAAGAAGAACCGCAGCCTGTACAGGAACATCCTGATGTACGGGCCACCAGGCAC[CG>C]GGAAGACGCTGTTTGCCAAGGTGAGAGCGCCTGGCTGAACAGGTGGGCCAGGGGCCGCTG-3'